The following is an entry in ClinVar:

ClinVar aggregate classification (germline): Pathogenic (1 of 4 stars; one submission).

Conditions:
Spastic paraplegia. Identifiers: MedGen C0037772, HP:0001258.

Submission:

Labcorp Genetics (formerly Invitae), Labcorp
Classification: Pathogenic for Spastic paraplegia. Last evaluated: 2018-02-19. Review status: criteria provided, single submitter. Criteria: Invitae Variant Classification Sherloc (09022015). Collection method: clinical testing. Allele origin: germline.
Comment: This sequence change creates a premature translational stop signal at codon 647 (p.Lys647*). It is expected to result in an absent or disrupted protein product. While this particular variant has not been reported in the literature, truncating variants in L1CAM are known to be pathogenic (PMID: 11438988, 10797421). For these reasons, this variant has been classified as Pathogenic.

Literature cited by the submitters: PubMed 11438988; PubMed 10797421.

NM_001278116.2(L1CAM):c.1939A>T (p.Lys647Ter)

Gene: L1CAM (L1 cell adhesion molecule; minus strand). Cytogenetic location: Xq28.
Variant type: single nucleotide variant.
Coding change: c.1939A>T on transcript NM_001278116.2 (MANE Select); coding-DNA position 1939, A replaced by T.
Protein change: p.Lys647Ter; replaces lysine 647 with a stop codon.
Molecular consequence: nonsense.
Genome position (GRCh38, 1-based): chrX:153,867,800, T>A on the plus strand (A>T on the coding strand, the complement: L1CAM is on the minus strand). VCF-style: chrX-153867800-T-A. GRCh37 (hg19) VCF-style: chrX-153133255-T-A.
Other names: c.1939A>T, p.Lys647Ter (NM_000425.5, NM_024003.3); c.1924A>T, p.Lys642Ter (NM_001143963.2); short protein forms K647*, K642*.
Identifiers: ClinVar variation 216069 (VCV000216069.8), dbSNP rs863224494, ClinGen allele CA347460.